The following is an entry in ClinVar:

ClinVar aggregate classification (germline): Pathogenic (1 of 4 stars; one submission).

Conditions:
Curry-Hall syndrome (WAD). Also called: WEYERS ACRODENTAL DYSOSTOSIS. Identifiers: Orphanet 952, MedGen C0457013, MONDO:0008673, OMIM 193530.
Ellis-van Creveld syndrome (EVC). Also called: MESOECTODERMAL DYSPLASIA; EVC-Related Ellis-van Creveld Syndrome; EVC2-Related Ellis-van Creveld Syndrome; Chondroectodermal dysplasia. Identifiers: Orphanet 289, MedGen C0013903, MONDO:0009162, OMIM 225500.

Submission:

Labcorp Genetics (formerly Invitae), Labcorp
Classification: Pathogenic for Curry-Hall syndrome; Ellis-van Creveld syndrome. Last evaluated: 2021-11-06. Review status: criteria provided, single submitter. Criteria: Invitae Variant Classification Sherloc (09022015). Collection method: clinical testing. Allele origin: germline.
Comment: This sequence change creates a premature translational stop signal (p.Gly802Valfs*5) in the EVC2 gene. It is expected to result in an absent or disrupted protein product. Loss-of-function variants in EVC2 are known to be pathogenic (PMID: 17024374, 19810119, 19876929). This variant is not present in population databases (gnomAD no frequency). This variant has not been reported in the literature in individuals affected with EVC2-related conditions. Algorithms developed to predict the effect of sequence changes on RNA splicing suggest that this variant may create or strengthen a splice site. For these reasons, this variant has been classified as Pathogenic.

Literature cited by the submitters: PubMed 17024374; PubMed 19810119; PubMed 19876929.

NM_147127.5(EVC2):c.2405del (p.Gly802fs)

Gene: EVC2 (EvC ciliary complex subunit 2; minus strand). Cytogenetic location: 4p16.2.
Variant type: Deletion.
Coding change: c.2405del on transcript NM_147127.5 (MANE Select); coding-DNA position 2405, one base deleted (G; older notation c.2405delG).
Protein change: p.Gly802fs; shifts the reading frame from glycine 802.
Molecular consequence: frameshift variant.
Genome position (GRCh38, 1-based): chr4:5,622,633, C deleted on the plus strand (G on the coding strand, the reverse complement: EVC2 is on the minus strand); the first of 3 consecutive C bases (chr4:5,622,633-5,622,635); deleting any one gives the same sequence. VCF-style (leftmost placement, unchanged base first): chr4-5622632-AC-A. GRCh37 (hg19) VCF-style: chr4-5624359-AC-A.
Other names: c.2165del, p.Gly722fs (NM_001166136.2); short protein forms G802fs, G722fs.
Identifiers: ClinVar variation 1439683 (VCV001439683.7), dbSNP rs2108838579, ClinGen allele CA2573138255.
Genomic context (GRCh38, chr4:5,622,632, plus strand): 5'-CTGCTCCTCTGTCACGGCCTCAGGAGCGTCATCCTTCAGTCTCTGCCTCACGCTCTGGAC[AC>A]CCTCCTGGTCCCTGTCCCTCTCCTCCCCCTCCAGCTGCTCGGCCCGTGCAGCCATCTCCT-3'